The following is an entry in ClinVar:

NM_014396.4(VPS41):c.2371T>C (p.Cys791Arg)

Gene: VPS41 (VPS41 subunit of HOPS complex; minus strand). Cytogenetic location: 7p14.1.
Variant type: single nucleotide variant.
Coding change: c.2371T>C on transcript NM_014396.4 (MANE Select); coding-DNA position 2371, T replaced by C.
Protein change: p.Cys791Arg; replaces cysteine 791 with arginine.
Molecular consequence: missense variant.
Genome position (GRCh38, 1-based): chr7:38,728,575, A>G on the plus strand (T>C on the coding strand, the complement: VPS41 is on the minus strand). VCF-style: chr7-38728575-A-G. GRCh37 (hg19) VCF-style: chr7-38768175-A-G.
Other names: c.2296T>C, p.Cys766Arg (NM_080631.4); short protein forms C766R, C791R.
Identifiers: ClinVar variation 3188965 (VCV003188965.1), dbSNP rs2484194453, ClinGen allele CA367294482.

ClinVar aggregate classification (germline): Uncertain significance (1 of 4 stars; one submission).

Conditions:
Inborn genetic diseases. Identifiers: MedGen C0950123, MeSH D030342.

Submission:

Ambry Genetics
Classification: Uncertain significance for Inborn genetic diseases. Last evaluated: 2023-12-06. Review status: criteria provided, single submitter. Criteria: Ambry Variant Classification Scheme 2023. Collection method: clinical testing. Allele origin: germline.
Comment: The c.2371T>C (p.C791R) alteration is located in coding exon 27 of the VPS41 gene. This alteration results from a T to C substitution at nucleotide position 2371, causing the cysteine (C) at amino acid position 791 to be replaced by an arginine (R). This variant was not reported in population-based cohorts in the Genome Aggregation Database (gnomAD). Another alteration at the same codon, c.2372G>T (p.C791F), was reported homozygous in two siblings with features consistent with VPS41-related cerebellar ataxia (Sanderson, 2021). This amino acid position is highly conserved in available vertebrate species. This alteration is predicted to be deleterious by in silico analysis. Based on insufficient or conflicting evidence, the clinical significance of this alteration remains unclear.

Literature cited by the submitters: PubMed 33764426.